The following is an entry in ClinVar:

NM_000095.3(COMP):c.2217C>A (p.Tyr739Ter)

Gene: COMP (cartilage oligomeric matrix protein; minus strand). Cytogenetic location: 19p13.11.
Variant type: single nucleotide variant.
Coding change: c.2217C>A on transcript NM_000095.3 (MANE Select); coding-DNA position 2217, C replaced by A.
Protein change: p.Tyr739Ter; replaces tyrosine 739 with a stop codon.
Molecular consequence: nonsense.
Genome position (GRCh38, 1-based): chr19:18,783,064, G>T on the plus strand (C>A on the coding strand, the complement: COMP is on the minus strand). VCF-style: chr19-18783064-G-T. GRCh37 (hg19) VCF-style: chr19-18893874-G-T.
Other names: short protein forms Y739*.
Identifiers: ClinVar variation 4716051 (VCV004716051.1).

ClinVar aggregate classification (germline): Uncertain significance (1 of 4 stars; one submission).

Submission:

Labcorp Genetics (formerly Invitae), Labcorp
Classification: Uncertain significance. Last evaluated: 2025-03-31. Review status: criteria provided, single submitter. Criteria: Invitae Variant Classification Sherloc (09022015). Collection method: clinical testing. Allele origin: germline.
Comment: This sequence change creates a premature translational stop signal (p.Tyr739*) in the COMP gene. While this is not anticipated to result in nonsense mediated decay, it is expected to disrupt the last 19 amino acid(s) of the COMP protein. This variant is not present in population databases (gnomAD no frequency). This premature translational stop signal has been observed in individual(s) with clinical features of epiphyseal dysplasia (internal data). Experimental studies and prediction algorithms are not available or were not evaluated, and the functional significance of this variant is currently unknown. In summary, the available evidence is currently insufficient to determine the role of this variant in disease. Therefore, it has been classified as a Variant of Uncertain Significance.